The following is an entry in ClinVar:

ClinVar aggregate classification (germline): Uncertain significance (1 of 4 stars; one submission).

Submission:

Women's Health and Genetics/Laboratory Corporation of America, LabCorp
Classification: Uncertain significance. Last evaluated: 2025-07-18. Review status: criteria provided, single submitter. Criteria: LabCorp Variant Classification Summary - May 2015. Collection method: clinical testing. Allele origin: germline.
Comment: Variant summary: The variant involves the duplication of exon 1 in the KCNH5 gene. A presumed nomenclature of c.(?_-273)_(73+1_74-1)dup has been designated for the purposes of this classification. The exact breakpoint at the 5' end of this variant is unknown, therefore this duplication may extend upstream of the annotated region of this gene. It is predicted to duplicate a segment including the initiation codon, therefore its impact on the encoded protein is unknown. The frequency of this variant in the general population could not be determined as the technology used for large population databases (ExAC, gnomAD, ESP, 1000G) cannot detect variants of this type. The available data on variant occurrences in the general population are insufficient to allow any conclusion about variant significance. To our knowledge, no occurrence of c.(?_-273)_(73+1_74-1)dup in individuals affected with Developmental And Epileptic Encephalopathy-112 and no experimental evidence demonstrating its impact on protein function have been reported. No submitters have cited clinical-significance assessments for this variant to ClinVar. Based on the evidence outlined above, the variant was classified as uncertain significance.

NC_000014.8:g.(63483673_63511831)_(63512177_?)dup

Gene: KCNH5 (potassium voltage-gated channel subfamily H member 5; minus strand). Cytogenetic location: 14q23.2.
Variant type: Duplication.
Identifiers: ClinVar variation 4525780 (VCV004525780.1).